The following is an entry in ClinVar:

ClinVar aggregate classification (germline): Likely pathogenic (0 of 4 stars; one submission).

Conditions:
Brain small vessel disease 1 with or without ocular anomalies (BSVD1). Also called: PORENCEPHALY, TYPE 1, AUTOSOMAL DOMINANT; BRAIN SMALL VESSEL DISEASE WITH HEMORRHAGE; GOULD SYNDROME 1; Brain small vessel disease with or without ocular anomalies. Identifiers: Orphanet 2940, Orphanet 36383, Orphanet 99810, MedGen C4755307, MONDO:0008289, OMIM 175780.

Submission:

Baylor Genetics
Classification: Likely pathogenic for Brain small vessel disease 1 with or without ocular anomalies. Last evaluated: 2014-04-30. Review status: no assertion criteria provided. Collection method: clinical testing. Allele origin: de novo. Inheritance: Autosomal dominant inheritance. Affected: yes. Observed: 1 variant allele, 1 heterozygote.

NM_001845.6(COL4A1):c.3555A>G (p.Lys1185=)

Gene: COL4A1 (collagen type IV alpha 1 chain; minus strand). Cytogenetic location: 13q34.
Variant type: single nucleotide variant.
Coding change: c.3555A>G on transcript NM_001845.6 (MANE Select); coding-DNA position 3555, A replaced by G.
Protein change: p.Lys1185=; no amino-acid change (lysine 1185 retained).
Molecular consequence: synonymous variant.
Genome position (GRCh38, 1-based): chr13:110,172,721, T>C on the plus strand (A>G on the coding strand, the complement: COL4A1 is on the minus strand). VCF-style: chr13-110172721-T-C. GRCh37 (hg19) VCF-style: chr13-110825068-T-C.
Identifiers: ClinVar variation 374263 (VCV000374263.4), dbSNP rs1057518654, ClinGen allele CA16043683.